The following is an entry in ClinVar:

ClinVar aggregate classification (germline): Pathogenic/Likely pathogenic. Review status: criteria provided, multiple submitters, no conflicts (2 of 4 stars). 4 submissions from 4 submitters: Pathogenic (2); Likely pathogenic (2). Last evaluated 2026-09-23.

Conditions:
Autosomal recessive ataxia, Beauce type. Also called: Spinocerebellar ataxia, autosomal recessive 8; ATAXIA, RECESSIVE, OF BEAUCE; SYNE1-Related Autosomal Recessive Cerebellar Ataxia; SYNE1 Deficiency. Identifiers: Orphanet 88644, MedGen C1853116, MONDO:0012549, OMIM 610743.
Emery-Dreifuss muscular dystrophy 4, autosomal dominant (EDMD4). Also called: EMERY-DREIFUSS MUSCULAR DYSTROPHY 4 WITH VARIABLE FEATURES. Identifiers: Orphanet 261, MedGen C2751807, MONDO:0013071, OMIM 612998.

Submissions (4):

GeneDx
Classification: Likely pathogenic. Last evaluated: 2026-09-23. Review status: criteria provided, single submitter. Criteria: GeneDx Variant Classification Process June 2021. Collection method: clinical testing. Allele origin: germline.
Comment: Frameshift variant predicted to result in protein truncation or nonsense mediated decay in a gene for which loss of function is a known mechanism of disease; Not observed at significant frequency in large population cohorts (gnomAD); Has not been previously published as pathogenic or benign to our knowledge; This variant is associated with the following publications: (PMID: 19542096, 27086870, 24319099)

Labcorp Genetics (formerly Invitae), Labcorp
Classification: Pathogenic for Emery-Dreifuss muscular dystrophy 4, autosomal dominant; Autosomal recessive ataxia, Beauce type. Last evaluated: 2025-07-25. Review status: criteria provided, single submitter. Criteria: Invitae Variant Classification Sherloc (09022015). Collection method: clinical testing. Allele origin: germline.
Comment: This sequence change creates a premature translational stop signal (p.Glu7499Valfs*36) in the SYNE1 gene. It is expected to result in an absent or disrupted protein product. Loss-of-function variants in SYNE1 are known to be pathogenic (PMID: 19542096, 24319099, 27086870). This variant is not present in population databases (gnomAD no frequency). This variant has not been reported in the literature in individuals affected with SYNE1-related conditions. ClinVar contains an entry for this variant (Variation ID: 448583). For these reasons, this variant has been classified as Pathogenic.

Athena Diagnostics
Classification: Likely pathogenic. Last evaluated: 2017-07-17. Review status: criteria provided, single submitter. Criteria: Athena Diagnostics Criteria. Collection method: clinical testing. Allele origin: germline.

Eurofins Ntd Llc (ga)
Classification: Pathogenic. Last evaluated: 2016-12-28. Review status: criteria provided, single submitter. Criteria: EGL Classification Definitions 2015. Collection method: clinical testing. Allele origin: germline. Observed: 1 variant allele, 1 heterozygote.

Literature cited by the submitters: PubMed 19542096 (cited by Labcorp Genetics (formerly Invitae), Labcorp); PubMed 24319099 (cited by Labcorp Genetics (formerly Invitae), Labcorp); PubMed 27086870 (cited by Labcorp Genetics (formerly Invitae), Labcorp).

NM_182961.4(SYNE1):c.22709_22763del (p.Glu7570fs)

Gene: SYNE1 (spectrin repeat containing nuclear envelope protein 1; minus strand). Cytogenetic location: 6q25.2.
Variant type: Deletion.
Coding change: c.22709_22763del on transcript NM_182961.4 (MANE Select); coding-DNA positions 22709 to 22763, 55 bases deleted.
Protein change: p.Glu7570fs; shifts the reading frame from glutamic acid 7570.
Molecular consequence: frameshift variant.
Genome position (GRCh38, 1-based): chr6:152,208,033-152,208,087, 55 bases deleted. GRCh37 (hg19): chr6:152,529,169-152,529,223.
Other names: c.22496_22550del, p.Glu7499fs (NM_033071.5); c.22496_22550del55 (NM_033071.3); c.22496_22550del (NM_033071.3); short protein forms E7499fs, E7570fs.
Identifiers: ClinVar variation 448583 (VCV000448583.8), dbSNP rs1554558620, ClinGen allele CA658657632.